The following is an entry in ClinVar:

ClinVar aggregate classification (germline): Uncertain significance (1 of 4 stars; one submission).

Conditions:
Charcot-Marie-Tooth disease type 4. Also called: Charcot-Marie-Tooth disease, type IV; Charcot-Marie-Tooth, Type 4. Identifiers: Orphanet 64749, MedGen C4082197, MONDO:0018995.

Submission:

Labcorp Genetics (formerly Invitae), Labcorp
Classification: Uncertain significance for Charcot-Marie-Tooth disease type 4. Last evaluated: 2018-01-06. Review status: criteria provided, single submitter. Criteria: Invitae Variant Classification Sherloc (09022015). Collection method: clinical testing. Allele origin: germline.
Comment: This variant is not present in population databases (ExAC no frequency). In summary, the available evidence is currently insufficient to determine the role of this variant in disease. Therefore, it has been classified as a Variant of Uncertain Significance. Algorithms developed to predict the effect of sequence changes on RNA splicing suggest that this variant may create or strengthen a splice site, but this prediction has not been confirmed by published transcriptional studies. Algorithms developed to predict the effect of missense changes on protein structure and function (SIFT, PolyPhen-2, Align-GVGD) all suggest that this variant is likely to be tolerated, but these predictions have not been confirmed by published functional studies and their clinical significance is uncertain. This variant has not been reported in the literature in individuals with PRX-related disease. This sequence change replaces glutamine with arginine at codon 573 of the PRX protein (p.Gln573Arg). The glutamine residue is moderately conserved and there is a small physicochemical difference between glutamine and arginine.

NM_181882.3(PRX):c.1718A>G (p.Gln573Arg)

Gene: PRX (periaxin; minus strand). Cytogenetic location: 19q13.2.
Variant type: single nucleotide variant.
Coding change: c.1718A>G on transcript NM_181882.3 (MANE Select); coding-DNA position 1718, A replaced by G.
Protein change: p.Gln573Arg; replaces glutamine 573 with arginine.
Molecular consequence: missense variant. On other transcripts: 3 prime UTR variant (1).
Genome position (GRCh38, 1-based): chr19:40,396,634, T>C on the plus strand (A>G on the coding strand, the complement: PRX is on the minus strand). VCF-style: chr19-40396634-T-C. GRCh37 (hg19) VCF-style: chr19-40902541-T-C.
Other names: c.*1923A>G (NM_020956.2); short protein forms Q573R.
Identifiers: ClinVar variation 571720 (VCV000571720.6), dbSNP rs1289149165, ClinGen allele CA405897819.